The following is an entry in ClinVar:

NM_000784.4(CYP27A1):c.338T>C (p.Leu113Pro)

Gene: CYP27A1 (cytochrome P450 family 27 subfamily A member 1; plus strand). Cytogenetic location: 2q35.
Variant type: single nucleotide variant.
Coding change: c.338T>C on transcript NM_000784.4 (MANE Select); coding-DNA position 338, T replaced by C.
Protein change: p.Leu113Pro; replaces leucine 113 with proline.
Molecular consequence: missense variant.
Genome position (GRCh38, 1-based): chr2:218,809,659, T>C. VCF-style: chr2-218809659-T-C. GRCh37 (hg19) VCF-style: chr2-219674382-T-C.
Other names: short protein forms L113P.
Identifiers: ClinVar variation 2135302 (VCV002135302.4), dbSNP rs1002163395, ClinGen allele CA65830385.

ClinVar aggregate classification (germline): Uncertain significance (1 of 4 stars; one submission).

Conditions:
Cholestanol storage disease (CTX). Also called: CTX: Cerebrotendinous xanthomatosis; CEREBRAL CHOLESTERINOSIS; Cerebrotendinous Xanthomatosis. Identifiers: Orphanet 909, MedGen C0238052, MONDO:0008948, OMIM 213700.

Allele frequency attached by ClinVar (database versions not stated): TOPMed 0.00002.

Submission:

Labcorp Genetics (formerly Invitae), Labcorp
Classification: Uncertain significance for Cholestanol storage disease. Last evaluated: 2022-05-08. Review status: criteria provided, single submitter. Criteria: Invitae Variant Classification Sherloc (09022015). Collection method: clinical testing. Allele origin: germline.
Comment: In summary, the available evidence is currently insufficient to determine the role of this variant in disease. Therefore, it has been classified as a Variant of Uncertain Significance. Algorithms developed to predict the effect of missense changes on protein structure and function (SIFT, PolyPhen-2, Align-GVGD) all suggest that this variant is likely to be disruptive. This variant has not been reported in the literature in individuals affected with CYP27A1-related conditions. This variant is not present in population databases (gnomAD no frequency). This sequence change replaces leucine, which is neutral and non-polar, with proline, which is neutral and non-polar, at codon 113 of the CYP27A1 protein (p.Leu113Pro).